The following is an entry in ClinVar:

NM_000128.4(F11):c.1275G>C (p.Trp425Cys)

Gene: F11 (coagulation factor XI; plus strand). Cytogenetic location: 4q35.2.
Variant type: single nucleotide variant.
Coding change: c.1275G>C on transcript NM_000128.4 (MANE Select); coding-DNA position 1275, G replaced by C.
Protein change: p.Trp425Cys; replaces tryptophan 425 with cysteine.
Molecular consequence: missense variant.
Genome position (GRCh38, 1-based): chr4:186,284,231, G>C. VCF-style: chr4-186284231-G-C. GRCh37 (hg19) VCF-style: chr4-187205385-G-C.
Other names: short protein forms W425C.
Identifiers: ClinVar variation 555810 (VCV000555810.3), dbSNP rs533626812, ClinGen allele CA3163938.

ClinVar aggregate classification (germline): Uncertain significance. Review status: criteria provided, single submitter (1 of 4 stars). 2 submissions from 2 submitters: Uncertain significance (1). 1 of the submissions does not count toward it. Last evaluated 2025-09-05.

Conditions:
Hereditary factor XI deficiency disease. Also called: Congenital factor XI deficiency; PLASMA THROMBOPLASTIN ANTECEDENT DEFICIENCY; PTA DEFICIENCY; ROSENTHAL SYNDROME. Identifiers: Orphanet 329, MedGen C0015523, MeSH D005173, MONDO:0012897, OMIM 612416.

Allele frequency attached by ClinVar (database versions not stated): gnomAD exomes below 0.00001 and 0.00001; ExAC 0.00001; gnomAD 0.00001; TOPMed 0.00002; 1000 Genomes Project 30x 0.00016; 1000 Genomes Project 0.00020.
gnomAD v4.1: 7 of 1,614,204 alleles (0.00043%); highest among the groups gnomAD compares: African/African-American, 0.0053%; no homozygotes.

Submissions (2):

Women's Health and Genetics/Laboratory Corporation of America, LabCorp
Classification: Uncertain significance. Last evaluated: 2025-09-05. Review status: criteria provided, single submitter. Criteria: LabCorp Variant Classification Summary - May 2015. Collection method: clinical testing. Allele origin: germline.
Comment: Variant summary: F11 c.1275G>C (p.Trp425Cys) results in a non-conservative amino acid change located in the serine protease domain (IPR001254) of the encoded protein sequence. Algorithms developed to predict the effect of missense changes on protein structure and function all suggest that this variant is likely to be disruptive. The variant allele was found at a frequency of 1.2e-05 in 251410 control chromosomes (gnomAD). c.1275G>C has been observed in at least 2 individuals from the same family affected with AD-Hereditary Factor XI Deficiency Disease (de Raucourt_2008, de Mazancourt_2023). These data indicate that the variant may be associated with disease. To our knowledge, no experimental evidence demonstrating an impact on protein function has been reported. However different missense variants affecting the same amino acid (W425R/L) have been reported in homozygous and compound heterozygous state in affected individuals (PMIDs: 24112640, 27067486), supporting a functional importance for the affected residue. The following publications have been ascertained in the context of this evaluation (PMID: 18388506, 37252892, 35059554, 37647632). ClinVar contains an entry for this variant (Variation ID: 555810). Based on the evidence outlined above, the variant was classified as VUS-possibly pathogenic.

Counsyl
Classification: Uncertain significance for Hereditary factor XI deficiency disease. Last evaluated: 2017-12-28. Review status: no assertion criteria provided. Collection method: clinical testing. Allele origin: unknown. Not counted in ClinVar's aggregate classification.

Literature cited by the submitters: PubMed 35059554 (cited by Women's Health and Genetics/Laboratory Corporation of America, LabCorp); PubMed 37647632 (cited by Women's Health and Genetics/Laboratory Corporation of America, LabCorp); PubMed 37252892 (cited by Women's Health and Genetics/Laboratory Corporation of America, LabCorp); PubMed 18388506 (cited by Women's Health and Genetics/Laboratory Corporation of America, LabCorp and Counsyl); PubMed 19652879 (cited by Counsyl).